The following is an entry in ClinVar:

ClinVar aggregate classification (germline): Uncertain significance (1 of 4 stars; one submission).

Submission:

Mayo Clinic Laboratories, Mayo Clinic
Classification: Uncertain significance. Last evaluated: 2024-02-20. Review status: criteria provided, single submitter. Criteria: ACMG Guidelines, 2015. Collection method: clinical testing. Allele origin: germline. Observed: 1 variant allele.
Comment: PP3, PM2_moderate

NM_000434.4(NEU1):c.379A>T (p.Ile127Phe)

Gene: NEU1 (neuraminidase 1; minus strand). Cytogenetic location: 6p21.33.
Variant type: single nucleotide variant.
Coding change: c.379A>T on transcript NM_000434.4 (MANE Select); coding-DNA position 379, A replaced by T.
Protein change: p.Ile127Phe; replaces isoleucine 127 with phenylalanine.
Molecular consequence: missense variant.
Genome position (GRCh38, 1-based): chr6:31,861,424, T>A on the plus strand (A>T on the coding strand, the complement: NEU1 is on the minus strand). VCF-style: chr6-31861424-T-A. GRCh37 (hg19) VCF-style: chr6-31829201-T-A.
Other names: p.Ile127Phe; short protein forms I127F.
Identifiers: ClinVar variation 3379645 (VCV003379645.1).